The following is an entry in ClinVar:

NM_001242.5(CD27):c.*15G>T

Genes: CD27 (CD27 molecule; plus strand), CD27-AS1 (CD27 antisense RNA 1; minus strand). Cytogenetic location: 12p13.31.
Variant type: single nucleotide variant.
Coding change: c.*15G>T on transcript NM_001242.5 (MANE Select); 15 bases downstream of the stop codon, G replaced by T.
Molecular consequence: 3 prime UTR variant. On other transcripts: non-coding transcript variant (1).
Genome position (GRCh38, 1-based): chr12:6,451,407, G>T. VCF-style: chr12-6451407-G-T. GRCh37 (hg19) VCF-style: chr12-6560573-G-T.
Identifiers: ClinVar variation 402518 (VCV000402518.13), dbSNP rs1059501, ClinGen allele CA6407101.

ClinVar aggregate classification (germline): Benign. Review status: criteria provided, multiple submitters, no conflicts (2 of 4 stars). 6 submissions from 6 submitters: Benign (6). Last evaluated 2024-11-27.

Conditions:
Lymphoproliferative syndrome 2 (LPFS2). Also called: CD27 DEFICIENCY; Combined immunodeficiency due to CD27 deficiency. Identifiers: Orphanet 238505, MedGen C3554540, MONDO:0014054, OMIM 615122.

Allele frequency attached by ClinVar (database versions not stated): 1000 Genomes Project 30x 0.35041; 1000 Genomes Project 0.36002; TOPMed 0.38481; ESP Exome Variant Server 0.40964.
gnomAD v4.1: 867,349 of 1,609,634 alleles (54%); highest among the groups gnomAD compares: Non-Finnish European, 58%; 244,096 homozygotes.

Submissions (6):

Blueprint Genetics
Classification: Benign. Last evaluated: 2024-11-27. Review status: criteria provided, single submitter. Criteria: ACMG Guidelines, 2015. Collection method: clinical testing. Allele origin: germline.

Unidad de Genómica Garrahan, Hospital de Pediatría Garrahan
Classification: Benign. Last evaluated: 2023-11-12. Review status: criteria provided, single submitter. Criteria: ACMG Guidelines, 2015. Collection method: clinical testing. Allele origin: germline. Affected: no. Observed: 59 variant alleles.
Comment: This variant is classified as Benign based on local population frequency. This variant was detected in 61% of patients studied by a panel of primary immunodeficiencies. Number of patients: 59. Only high quality variants are reported.

Genome-Nilou Lab
Classification: Benign for Lymphoproliferative syndrome 2. Last evaluated: 2021-07-14. Review status: criteria provided, single submitter. Criteria: ACMG Guidelines, 2015. Collection method: clinical testing. Allele origin: germline. Affected: no.

GeneDx
Classification: Benign. Last evaluated: 2018-11-10. Review status: criteria provided, single submitter. Criteria: GeneDx Variant Classification Process June 2021. Collection method: clinical testing. Allele origin: germline. Affected: yes.

Laboratory for Molecular Medicine, Mass General Brigham Personalized Medicine
Classification: Benign. Last evaluated: 2016-03-28. Review status: criteria provided, single submitter. Criteria: LMM Criteria. Collection method: clinical testing. Allele origin: germline.
Comment: Variant identified in a genome or exome case(s) and assessed due to predicted null impact of the variant or pathogenic assertions in the literature or databases. Disclaimer: This variant has not undergone full assessment. The following are preliminary notes: Frequency

Breakthrough Genomics
Classification: Benign. Review status: criteria provided, single submitter. Criteria: ACMG Guidelines, 2015. Collection method: not provided. Allele origin: germline. Inheritance: Autosomal recessive inheritance. Affected: yes.